The following is an entry in ClinVar:

NM_001378457.1(DMXL2):c.4419A>C (p.Gln1473His)

Gene: DMXL2 (Dmx like 2; minus strand). Cytogenetic location: 15q21.2.
Variant type: single nucleotide variant.
Coding change: c.4419A>C on transcript NM_001378457.1 (MANE Select); coding-DNA position 4419, A replaced by C.
Protein change: p.Gln1473His; replaces glutamine 1473 with histidine.
Molecular consequence: missense variant. On other transcripts: non-coding transcript variant (2), intron variant (2).
Genome position (GRCh38, 1-based): chr15:51,498,805, T>G on the plus strand (A>C on the coding strand, the complement: DMXL2 is on the minus strand). VCF-style: chr15-51498805-T-G. GRCh37 (hg19) VCF-style: chr15-51791002-T-G.
Other names: c.4419A>C, p.Gln1473His (NM_001174116.3, NM_001378458.1, NM_001378459.1 and 4 more transcripts); c.4179A>C, p.Gln1393His (NM_001378464.1); c.2765-7058A>C (NM_001378460.1); c.2765-3671A>C (NM_001174117.3); short protein forms Q1393H, Q1473H.
Identifiers: ClinVar variation 3368401 (VCV003368401.1).

ClinVar aggregate classification (germline): Uncertain significance (1 of 4 stars; one submission).

Submission:

GeneDx
Classification: Uncertain significance. Last evaluated: 2024-01-26. Review status: criteria provided, single submitter. Criteria: GeneDx Variant Classification Process June 2021. Collection method: clinical testing. Allele origin: germline. Affected: yes.
Comment: Not observed at significant frequency in large population cohorts (gnomAD); In silico analysis supports that this missense variant does not alter protein structure/function; Has not been previously published as pathogenic or benign to our knowledge